The following is an entry in ClinVar:

ClinVar aggregate classification (germline): Uncertain significance (1 of 4 stars; one submission).

Submission:

Ambry Genetics
Classification: Uncertain significance. Last evaluated: 2024-03-27. Review status: criteria provided, single submitter. Criteria: Ambry Variant Classification Scheme 2023. Collection method: clinical testing. Allele origin: germline.
Comment: The p.V590L variant (also known as c.1768G>C), located in coding exon 13 of the RECQL gene, results from a G to C substitution at nucleotide position 1768. The valine at codon 590 is replaced by leucine, an amino acid with highly similar properties. This amino acid position is conserved. In addition, this alteration is predicted to be tolerated by in silico analysis. Since supporting evidence is limited at this time, the clinical significance of this alteration remains unclear.

NM_002907.4(RECQL):c.1768G>C (p.Val590Leu)

Genes: PYROXD1 (pyridine nucleotide-disulphide oxidoreductase domain 1; plus strand), RECQL (RecQ like helicase; minus strand). Cytogenetic location: 12p12.1.
Variant type: single nucleotide variant.
Coding change: c.1768G>C on transcript NM_002907.4 (MANE Select); coding-DNA position 1768, G replaced by C.
Protein change: p.Val590Leu; replaces valine 590 with leucine.
Molecular consequence: missense variant. On other transcripts: 3 prime UTR variant (3).
Genome position (GRCh38, 1-based): chr12:21,470,998, C>G on the plus strand (G>C on the coding strand, the complement: RECQL is on the minus strand). VCF-style: chr12-21470998-C-G. GRCh37 (hg19) VCF-style: chr12-21623932-C-G.
Other names: c.1768G>C, p.Val590Leu (NM_032941.3); c.*2244C>G (NM_001350912.2, NM_001350913.2, NM_024854.5); short protein forms V590L.
Identifiers: ClinVar variation 1779722 (VCV001779722.2), dbSNP rs765830143, ClinGen allele CA384114424.
Genomic context (GRCh38, chr12:21,470,998, plus strand): 5'-TATATAAAACTGAAAATTAATAGCCATTTACCCTGAAAGAGTTCTGCGTGGACTTTGTCA[C>G]TTGCATAGTAATAGCATGTGCCTCATTGTTCAGAAGATTAGCTTTAGGTCCTATTTTCAA-3'
Protein context (NP_002898.2, residues 580-600): NNEAHAITMQ[Val590Leu]TKSTQNSFRA